The following is an entry in ClinVar:

ClinVar aggregate classification (germline): Uncertain significance (1 of 4 stars; one submission).

Conditions:
Noonan syndrome 9 (NS9). Identifiers: Orphanet 648, MedGen C4225282, MONDO:0014691, OMIM 616559.

Allele frequency attached by ClinVar (database versions not stated): gnomAD exomes below 0.00001; gnomAD 0.00001; TOPMed 0.00003.
gnomAD v4.1: 4 of 1,590,826 alleles (0.00025%); highest among the groups gnomAD compares: Non-Finnish European, 0.00034%; no homozygotes.

Submission:

Labcorp Genetics (formerly Invitae), Labcorp
Classification: Uncertain significance for Noonan syndrome 9. Last evaluated: 2025-12-08. Review status: criteria provided, single submitter. Criteria: Invitae Variant Classification Sherloc (09022015). Collection method: clinical testing. Allele origin: germline.
Comment: This sequence change falls in intron 19 of the SOS2 gene. It does not directly change the encoded amino acid sequence of the SOS2 protein. It affects a nucleotide within the consensus splice site. This variant is not present in population databases (gnomAD no frequency). This variant has not been reported in the literature in individuals affected with SOS2-related conditions. ClinVar contains an entry for this variant (Variation ID: 838101). Variants that disrupt the consensus splice site are a relatively common cause of aberrant splicing (PMID: 17576681, 9536098). Algorithms developed to predict the effect of sequence changes on RNA splicing suggest that this variant is not likely to affect RNA splicing. In summary, the available evidence is currently insufficient to determine the role of this variant in disease. Therefore, it has been classified as a Variant of Uncertain Significance.

Literature cited by the submitters: PubMed 17576681; PubMed 9536098.

NM_006939.4(SOS2):c.3076-3C>T

Gene: SOS2 (SOS Ras/Rho guanine nucleotide exchange factor 2; minus strand). Cytogenetic location: 14q21.3.
Variant type: single nucleotide variant.
Coding change: c.3076-3C>T on transcript NM_006939.4 (MANE Select); 3 bases into the intron before coding-DNA position 3076, C replaced by T.
Molecular consequence: intron variant.
Genome position (GRCh38, 1-based): chr14:50,130,765, G>A on the plus strand (C>T on the coding strand, the complement: SOS2 is on the minus strand). VCF-style: chr14-50130765-G-A. GRCh37 (hg19) VCF-style: chr14-50597483-G-A.
Identifiers: ClinVar variation 838101 (VCV000838101.9), dbSNP rs1293540485, ClinGen allele CA706545250.
Genomic context (GRCh38, chr14:50,130,765, plus strand): 5'-GTCGGCCTGTGTTAGGCCTTATTCCAGGAGATTTTAAGGAAAAAGTTGATTTCCTAGGCT[G>A]AGAAAAGCAAACATAATTAATGTCACAAATTTGCATAGACAACAATTTGTTTCTGTGACT-3'